The following is an entry in ClinVar:

NM_001349723.3(DNAJB5):c.43C>T (p.Pro15Ser)

Gene: DNAJB5 (DnaJ heat shock protein family (Hsp40) member B5; plus strand). Cytogenetic location: 9p13.3.
Variant type: single nucleotide variant.
Coding change: c.43C>T on transcript NM_001349723.3 (MANE Select); coding-DNA position 43, C replaced by T.
Protein change: p.Pro15Ser; replaces proline 15 with serine.
Molecular consequence: missense variant. On other transcripts: 5 prime UTR variant (2), intron variant (2).
Genome position (GRCh38, 1-based): chr9:34,990,673, C>T. VCF-style: chr9-34990673-C-T. GRCh37 (hg19) VCF-style: chr9-34990670-C-T.
Other names: c.-72C>T (NM_001135004.3, NM_001349725.2); c.43C>T, p.Pro15Ser (NM_001135005.3); c.-35+62C>T (NM_001349724.2); c.-35+842C>T (NM_012266.6); short protein forms P15S.
Identifiers: ClinVar variation 243086 (VCV000243086.42), dbSNP rs774909609, ClinGen allele CA5038091.

ClinVar aggregate classification (germline): Conflicting classifications of pathogenicity. Review status: criteria provided, conflicting classifications (1 of 4 stars). 2 submissions from 2 submitters: Likely pathogenic (1); Uncertain significance (1). Last evaluated 2019-12-01.

Conditions:
Skeletal myopathy. Also called: Skeletal muscle disease; Skeletal muscle disorder. Identifiers: Orphanet 98472, MedGen C1533847, MONDO:0020120, HP:0003756.
Peripheral neuropathy. Also called: Neuropathy. Identifiers: MedGen C0031117, MONDO:0005244, HP:0009830.

Allele frequency attached by ClinVar (database versions not stated): ExAC 0.00005; gnomAD 0.00012 and 0.00014; gnomAD exomes 0.00012; TOPMed 0.00013.

Submissions (2):

CeGaT Center for Human Genetics Tuebingen
Classification: Uncertain significance. Last evaluated: 2019-12-01. Review status: criteria provided, single submitter. Criteria: CeGaT Center For Human Genetics Tuebingen Variant Classification Criteria Version 2. Collection method: clinical testing. Allele origin: germline. Affected: yes. Observed: 1 variant allele.

Lupski Lab, Baylor-Hopkins CMG, Baylor College of Medicine
Classification: Likely pathogenic for Peripheral neuropathy; Skeletal myopathy. Last evaluated: 2015-08-18. Review status: criteria provided, single submitter. Criteria: Gonzaga-Jauregui et al. (Cell Rep. 2015). Collection method: research. Allele origin: maternal. Inheritance: Autosomal dominant inheritance. Affected: yes. Observed: 7 variant alleles, 7 heterozygotes.
Comment: Likely pathogenic based on segregation with the phenotype in a pedigree with nonspecific myopathy and neuropathy, and supported by zebrafish functional assay (PMID: 26257172)